The following is an entry in ClinVar:

ClinVar aggregate classification (germline): Uncertain significance. Review status: criteria provided, multiple submitters, no conflicts (2 of 4 stars). 2 submissions from 2 submitters: Uncertain significance (2). Last evaluated 2025-12-23.

Allele frequency attached by ClinVar (database versions not stated): gnomAD exomes below 0.00001; gnomAD 0.00001; TOPMed 0.00002.
gnomAD v4.1: 7 of 1,613,410 alleles (0.00043%); highest among the groups gnomAD compares: Non-Finnish European, 0.00059%; no homozygotes.

Submissions (2):

Labcorp Genetics (formerly Invitae), Labcorp
Classification: Uncertain significance. Last evaluated: 2025-12-23. Review status: criteria provided, single submitter. Criteria: Invitae Variant Classification Sherloc (09022015). Collection method: clinical testing. Allele origin: germline.
Comment: This sequence change replaces threonine, which is neutral and polar, with proline, which is neutral and non-polar, at codon 593 of the GEN1 protein (p.Thr593Pro). This variant is not present in population databases (gnomAD no frequency). This variant has not been reported in the literature in individuals affected with GEN1-related conditions. ClinVar contains an entry for this variant (Variation ID: 2066229). An algorithm developed to predict the effect of missense changes on protein structure and function (PolyPhen-2) suggests that this variant is likely to be disruptive. In summary, the available evidence is currently insufficient to determine the role of this variant in disease. Therefore, it has been classified as a Variant of Uncertain Significance.

Ambry Genetics
Classification: Uncertain significance. Last evaluated: 2025-03-07. Review status: criteria provided, single submitter. Criteria: Ambry Variant Classification Scheme 2023. Collection method: clinical testing. Allele origin: germline.
Comment: The p.T593P variant (also known as c.1777A>C), located in coding exon 13 of the GEN1 gene, results from an A to C substitution at nucleotide position 1777. The threonine at codon 593 is replaced by proline, an amino acid with highly similar properties. This amino acid position is conserved. In addition, this alteration is predicted to be tolerated by in silico analysis. Based on the available evidence, the clinical significance of this variant remains unclear.

NM_001130009.3(GEN1):c.1777A>C (p.Thr593Pro)

Gene: GEN1 (GEN1 structure-specific endonuclease; plus strand). Cytogenetic location: 2p24.2.
Variant type: single nucleotide variant.
Coding change: c.1777A>C on transcript NM_001130009.3 (MANE Select); coding-DNA position 1777, A replaced by C.
Protein change: p.Thr593Pro; replaces threonine 593 with proline.
Molecular consequence: missense variant.
Genome position (GRCh38, 1-based): chr2:17,780,989, A>C. VCF-style: chr2-17780989-A-C. GRCh37 (hg19) VCF-style: chr2-17962256-A-C.
Other names: c.1777A>C, p.Thr593Pro (NM_182625.5); c.1777A>C (NM_001130009.1); short protein forms T593P.
Identifiers: ClinVar variation 2066229 (VCV002066229.5), dbSNP rs1237540518, ClinGen allele CA345926603.